The following is an entry in ClinVar:

NM_021728.4(OTX2):c.592G>C (p.Ala198Pro)

Gene: OTX2 (orthodenticle homeobox 2; minus strand). Cytogenetic location: 14q22.3.
Variant type: single nucleotide variant.
Coding change: c.592G>C on transcript NM_021728.4 (MANE Select); coding-DNA position 592, G replaced by C.
Protein change: p.Ala198Pro; replaces alanine 198 with proline.
Molecular consequence: missense variant. On other transcripts: non-coding transcript variant (2).
Genome position (GRCh38, 1-based): chr14:56,802,037, C>G on the plus strand (G>C on the coding strand, the complement: OTX2 is on the minus strand). VCF-style: chr14-56802037-C-G. GRCh37 (hg19) VCF-style: chr14-57268755-C-G.
Other names: c.568G>C, p.Ala190Pro (NM_001270523.2, NM_001270524.2, NM_172337.3); c.592G>C, p.Ala198Pro (NM_001270525.2); short protein forms A198P, A190P.
Identifiers: ClinVar variation 3699008 (VCV003699008.2).

ClinVar aggregate classification (germline): Uncertain significance (1 of 4 stars; one submission).

Conditions:
Anophthalmia-microphthalmia syndrome. Also called: Anophthalmia - microphthalmia; Anophthalmia/Microphthalmia. Identifiers: Orphanet 98555, MedGen C5680330, MONDO:0020147.

Submission:

Labcorp Genetics (formerly Invitae), Labcorp
Classification: Uncertain significance for Anophthalmia-microphthalmia syndrome. Last evaluated: 2024-07-12. Review status: criteria provided, single submitter. Criteria: Invitae Variant Classification Sherloc (09022015). Collection method: clinical testing. Allele origin: germline.
Comment: This sequence change replaces alanine, which is neutral and non-polar, with proline, which is neutral and non-polar, at codon 190 of the OTX2 protein (p.Ala190Pro). This variant is present in population databases (no rsID available, gnomAD 0.002%). This variant has not been reported in the literature in individuals affected with OTX2-related conditions. An algorithm developed to predict the effect of missense changes on protein structure and function (PolyPhen-2) suggests that this variant is likely to be tolerated. In summary, the available evidence is currently insufficient to determine the role of this variant in disease. Therefore, it has been classified as a Variant of Uncertain Significance.